The following is an entry in ClinVar:

ClinVar aggregate classification (germline): Uncertain significance (1 of 4 stars; one submission).

Conditions:
Neurofibromatosis, type 1 (NF1). Also called: Peripheral type neurofibromatosis; VON RECKLINGHAUSEN DISEASE; Neurofibromatosis, type I; NEUROFIBROMATOSIS, TYPE I, SOMATIC. Identifiers: Orphanet 636, MedGen C0027831, MONDO:0018975, OMIM 162200. Disease mechanism: loss of function.

Submission:

Labcorp Genetics (formerly Invitae), Labcorp
Classification: Uncertain significance for Neurofibromatosis, type 1. Last evaluated: 2024-08-29. Review status: criteria provided, single submitter. Criteria: Invitae Variant Classification Sherloc (09022015). Collection method: clinical testing. Allele origin: germline.
Comment: This variant occurs in a non-coding region of the NF1 gene. It does not change the encoded amino acid sequence of the NF1 protein. This variant is not present in population databases (gnomAD no frequency). This variant has been observed in individual(s) with neurofibromatosis type 1 (PMID: 27322474). Experimental studies and prediction algorithms are not available or were not evaluated, and the functional significance of this variant is currently unknown. In summary, the available evidence is currently insufficient to determine the role of this variant in disease. Therefore, it has been classified as a Variant of Uncertain Significance.

Literature cited by the submitters: PubMed 27322474.

NM_001042492.3(NF1):c.-280C>T

Genes: MIR4733HG (MIR4733 host gene; minus strand), NF1 (neurofibromin 1; plus strand), LOC111811965 (NF1 (neurofibromin 1) promoter region; plus strand). Cytogenetic location: 17q11.2.
Variant type: single nucleotide variant.
Coding change: c.-280C>T on transcript NM_001042492.3 (MANE Select); 280 bases upstream of the start codon, C replaced by T.
Molecular consequence: 5 prime UTR variant.
Genome position (GRCh38, 1-based): chr17:31,095,030, C>T. VCF-style: chr17-31095030-C-T. GRCh37 (hg19) VCF-style: chr17-29422048-C-T.
Other names: c.-280C>T (NM_000267.4, NM_001128147.3).
Identifiers: ClinVar variation 2697306 (VCV002697306.3), dbSNP rs2544509459, ClinGen allele CA2637072047.